The following is an entry in ClinVar:

NM_001122630.2(CDKN1C):c.455CTCCGGTCGCGG[4] (p.152APVA[4])

Gene: CDKN1C (cyclin dependent kinase inhibitor 1C; minus strand). Cytogenetic location: 11p15.4.
Variant type: Microsatellite.
Coding change: c.455CTCCGGTCGCGG[4] on transcript NM_001122630.2 (MANE Select); four copies in a row of the 12-base unit CTCCGGTCGCGG starting at c.455; the reference has three copies in a row; one copy, 12 bases duplicated.
Protein change: p.152APVA[4].
Molecular consequence: inframe insertion. On other transcripts: intron variant (1).
Genome position (GRCh38, 1-based): chr11:2,884,967-2,884,978, CCGCGACCGGAG duplicated on the plus strand (CTCCGGTCGCGG on the coding strand, the reverse complement: CDKN1C is on the minus strand); duplicating any 12 consecutive bases within chr11:2,884,967-2,885,005 gives the same sequence; the position shown is the placement nearest the transcript's 3' end. VCF-style (leftmost placement, unchanged base first): chr11-2884966-A-ACCGCGACCGGAG. GRCh37 (hg19) VCF-style: chr11-2906196-A-ACCGCGACCGGAG.
Other names: c.512_523dup (NM_000076.2); c.488CTCCGGTCGCGG[4], p.163APVA[4] (NM_000076.2, NM_001362474.2); c.455CTCCGGTCGCGG[4], p.152APVA[4] (NM_001122631.2); c.255+200CTCCGGTCGCGG[4] (NM_001362475.2); c.512_523dup12 (NM_000076.2).
Identifiers: ClinVar variation 454008 (VCV000454008.40), dbSNP rs565544512, ClinGen allele CA597432656.

ClinVar aggregate classification (germline): Likely benign. Review status: criteria provided, multiple submitters, no conflicts (2 of 4 stars). 7 submissions from 7 submitters: Likely benign (6). 1 of the submissions does not count toward it. Last evaluated 2026-06-01.

Conditions:
Inborn genetic diseases. Identifiers: MedGen C0950123, MeSH D030342.
Beckwith-Wiedemann syndrome (BWS). Also called: Exomphalos macroglossia gigantism syndrome; EMG SYNDROME. Identifiers: Orphanet 116, MedGen C0004903, MONDO:0007534, OMIM 130650.
CDKN1C-related disorder. Also called: CDKN1C-related condition.

Submissions (7):

CeGaT Center for Human Genetics Tuebingen
Classification: Likely benign. Last evaluated: 2026-06-01. Review status: criteria provided, single submitter. Criteria: CeGaT Center For Human Genetics Tuebingen Variant Classification Criteria Version 2. Collection method: clinical testing. Allele origin: germline. Affected: yes. Observed: 4 variant alleles.
Comment: CDKN1C: BS1

Labcorp Genetics (formerly Invitae), Labcorp
Classification: Likely benign for Beckwith-Wiedemann syndrome. Last evaluated: 2026-01-26. Review status: criteria provided, single submitter. Criteria: Invitae Variant Classification Sherloc (09022015). Collection method: clinical testing. Allele origin: germline.

Laboratory of Genetics, Children's Clinical University Hospital Latvia
Classification: Likely benign. Last evaluated: 2025-02-16. Review status: criteria provided, single submitter. Criteria: ACMG Guidelines, 2015. Collection method: clinical testing. Allele origin: germline. Affected: yes.

Blueprint Genetics
Classification: Likely benign. Last evaluated: 2024-01-19. Review status: criteria provided, single submitter. Criteria: ACMG Guidelines, 2015. Collection method: clinical testing. Allele origin: germline.

Ambry Genetics
Classification: Likely benign for Inborn genetic diseases. Last evaluated: 2022-08-18. Review status: criteria provided, single submitter. Criteria: Ambry Variant Classification Scheme 2023. Collection method: clinical testing. Allele origin: germline.

Sema4
Classification: Likely benign for Beckwith-Wiedemann syndrome. Last evaluated: 2021-01-13. Review status: criteria provided, single submitter. Criteria: Sema4 Curation Guidelines. Collection method: curation. Allele origin: germline.

PreventionGenetics, part of Exact Sciences
Classification: Likely benign for CDKN1C-related condition. Last evaluated: 2024-09-17. Review status: no assertion criteria provided. Collection method: clinical testing. Allele origin: germline. Not counted in ClinVar's aggregate classification.
Comment: This variant is classified as likely benign based on ACMG/AMP sequence variant interpretation guidelines (Richards et al. 2015 PMID: 25741868, with internal and published modifications).